The following is an entry in ClinVar:

ClinVar aggregate classification (germline): Uncertain significance (1 of 4 stars; one submission).

Conditions:
Idiopathic generalized epilepsy. Also called: Generalised epilepsy; EIG. Identifiers: MedGen C0270850, MONDO:0005579, OMIM 600669.

Submission:

Labcorp Genetics (formerly Invitae), Labcorp
Classification: Uncertain significance for Idiopathic generalized epilepsy. Last evaluated: 2022-07-18. Review status: criteria provided, single submitter. Criteria: Invitae Variant Classification Sherloc (09022015). Collection method: clinical testing. Allele origin: germline.
Comment: In summary, the available evidence is currently insufficient to determine the role of this variant in disease. Therefore, it has been classified as a Variant of Uncertain Significance. Algorithms developed to predict the effect of missense changes on protein structure and function are either unavailable or do not agree on the potential impact of this missense change (SIFT: "Tolerated"; PolyPhen-2: "Probably Damaging"; Align-GVGD: "Class C0"). ClinVar contains an entry for this variant (Variation ID: 1383123). This variant has not been reported in the literature in individuals affected with RBFOX1-related conditions. This variant is not present in population databases (gnomAD no frequency). This sequence change replaces glutamine, which is neutral and polar, with histidine, which is basic and polar, at codon 90 of the RBFOX1 protein (p.Gln90His).

NM_018723.4(RBFOX1):c.210G>T (p.Gln70His)

Gene: RBFOX1 (RNA binding fox-1 homolog 1; plus strand). Cytogenetic location: 16p13.3.
Variant type: single nucleotide variant.
Coding change: c.210G>T on transcript NM_018723.4 (MANE Select); coding-DNA position 210, G replaced by T.
Protein change: p.Gln70His; replaces glutamine 70 with histidine.
Molecular consequence: missense variant.
Genome position (GRCh38, 1-based): chr16:7,518,329, G>T. VCF-style: chr16-7518329-G-T. GRCh37 (hg19) VCF-style: chr16-7568331-G-T.
Other names: c.210G>T, p.Gln70His (NM_001142333.2, NM_001142334.2, NM_001364800.2); c.339G>T, p.Gln113His (NM_001308117.1); c.270G>T, p.Gln90His (NM_145891.3, NM_145892.3, NM_145893.3); short protein forms Q113H, Q70H, Q90H.
Identifiers: ClinVar variation 1383123 (VCV001383123.8), dbSNP rs2076811567, ClinGen allele CA394796651.